The following is an entry in ClinVar:

ClinVar aggregate classification (germline): Likely benign. Review status: criteria provided, single submitter (1 of 4 stars). 2 submissions from 2 submitters: Likely benign (1). 1 of the submissions does not count toward it. Last evaluated 2023-08-04.

Conditions:
SETD2-related disorder.
Luscan-Lumish syndrome. Identifiers: Orphanet 597738, MedGen C4085873, MONDO:0014791, OMIM 616831.

Allele frequency attached by ClinVar (database versions not stated): TOPMed 0.00006; 1000 Genomes Project 30x 0.00016; 1000 Genomes Project 0.00020.
gnomAD v4.1: 12 of 1,613,242 alleles (0.00074%); highest among the groups gnomAD compares: African/African-American, 0.016%; no homozygotes.

Submissions (2):

Labcorp Genetics (formerly Invitae), Labcorp
Classification: Likely benign for Luscan-Lumish syndrome. Last evaluated: 2023-08-04. Review status: criteria provided, single submitter. Criteria: Invitae Variant Classification Sherloc (09022015). Collection method: clinical testing. Allele origin: germline.

PreventionGenetics, part of Exact Sciences
Classification: Likely benign for SETD2-related condition. Last evaluated: 2023-08-09. Review status: no assertion criteria provided. Collection method: clinical testing. Allele origin: germline. Not counted in ClinVar's aggregate classification.
Comment: This variant is classified as likely benign based on ACMG/AMP sequence variant interpretation guidelines (Richards et al. 2015 PMID: 25741868, with internal and published modifications).

NM_014159.7(SETD2):c.1833G>A (p.Lys611=)

Gene: SETD2 (SET domain containing 2, histone lysine methyltransferase; minus strand). Cytogenetic location: 3p21.31.
Variant type: single nucleotide variant.
Coding change: c.1833G>A on transcript NM_014159.7 (MANE Select); coding-DNA position 1833, G replaced by A.
Protein change: p.Lys611=; no amino-acid change (lysine 611 retained).
Molecular consequence: synonymous variant. On other transcripts: non-coding transcript variant (1).
Genome position (GRCh38, 1-based): chr3:47,122,803, C>T on the plus strand (G>A on the coding strand, the complement: SETD2 is on the minus strand). VCF-style: chr3-47122803-C-T. GRCh37 (hg19) VCF-style: chr3-47164293-C-T.
Other names: c.1701G>A, p.Lys567= (NM_001349370.3).
Identifiers: ClinVar variation 758440 (VCV000758440.9), dbSNP rs575862721, ClinGen allele CA2363628.
Genomic context (GRCh38, chr3:47,122,803, plus strand): 5'-ATCTAGCTTTTTTAAAGTAGGTGAATCATTTAATCGATTTGATGGAGCTGGAGACCCAGC[C>T]TTTTCTCTTTCAGGATTTTTATTAATCATTCTTAATTCACTACCTTTTGAACAAGGTGTC-3'
Protein context (NP_054878.5, residues 601-621): RMINKNPERE[Lys611=]AGSPAPSNRL